The following is an entry in ClinVar:

NM_007262.5(PARK7):c.82C>T (p.Arg28Ter)

Gene: PARK7 (Parkinsonism associated deglycase; plus strand). Cytogenetic location: 1p36.23.
Variant type: single nucleotide variant.
Coding change: c.82C>T on transcript NM_007262.5 (MANE Select); coding-DNA position 82, C replaced by T.
Protein change: p.Arg28Ter; replaces arginine 28 with a stop codon.
Molecular consequence: nonsense.
Genome position (GRCh38, 1-based): chr1:7,962,867, C>T. VCF-style: chr1-7962867-C-T. GRCh37 (hg19) VCF-style: chr1-8022927-C-T.
Other names: c.82C>T, p.Arg28Ter (NM_001123377.2); short protein forms R28*.
Identifiers: ClinVar variation 1399835 (VCV001399835.6), dbSNP rs374429170, ClinGen allele CA17283697.
Genomic context (GRCh38, chr1:7,962,867, plus strand): 5'-GTCATCCTGGCTAAAGGAGCAGAGGAAATGGAGACGGTCATCCCTGTAGATGTCATGAGG[C>T]GAGCTGGGGTAAGTCCCACATCGATTTTTAGCCATTCCTGTTTTAAATGTTTTTGGATTT-3'

ClinVar aggregate classification (germline): Pathogenic (1 of 4 stars; one submission).

Conditions:
Autosomal recessive early-onset Parkinson disease 7. Identifiers: Orphanet 2828, MedGen C1853445, MONDO:0011658, OMIM 606324.

gnomAD v4.1: 9 of 1,612,268 alleles (0.00056%); highest among the groups gnomAD compares: Middle Eastern, 0.017%; no homozygotes.

Submission:

Labcorp Genetics (formerly Invitae), Labcorp
Classification: Pathogenic for Autosomal recessive early-onset Parkinson disease 7. Last evaluated: 2021-12-21. Review status: criteria provided, single submitter. Criteria: Invitae Variant Classification Sherloc (09022015). Collection method: clinical testing. Allele origin: germline.
Comment: This sequence change creates a premature translational stop signal (p.Arg28*) in the PARK7 gene. It is expected to result in an absent or disrupted protein product. Loss-of-function variants in PARK7 are known to be pathogenic (PMID: 12446870, 12891685). This variant is present in population databases (no rsID available, gnomAD 0.003%). This variant has not been reported in the literature in individuals affected with PARK7-related conditions. Algorithms developed to predict the effect of sequence changes on RNA splicing suggest that this variant may create or strengthen a splice site. For these reasons, this variant has been classified as Pathogenic.

Literature cited by the submitters: PubMed 12446870; PubMed 12891685.